The following is an entry in ClinVar:

ClinVar aggregate classification (germline): Uncertain significance (1 of 4 stars; one submission).

gnomAD v4.1: 3 of 1,609,630 alleles (0.00019%); highest among the groups gnomAD compares: African/African-American, 0.0027%; no homozygotes.

Submission:

GeneDx
Classification: Uncertain significance. Last evaluated: 2026-04-06. Review status: criteria provided, single submitter. Criteria: GeneDx Variant Classification Process June 2021. Collection method: clinical testing. Allele origin: germline.
Comment: Not observed at significant frequency in large population cohorts (gnomAD); In silico analysis supports that this missense variant has a deleterious effect on protein structure/function; Has not been previously published as pathogenic or benign to our knowledge

NM_000486.6(AQP2):c.265T>A (p.Tyr89Asn)

Gene: AQP2 (aquaporin 2; plus strand). Cytogenetic location: 12q13.12.
Variant type: single nucleotide variant.
Coding change: c.265T>A on transcript NM_000486.6 (MANE Select); coding-DNA position 265, T replaced by A.
Protein change: p.Tyr89Asn; replaces tyrosine 89 with asparagine.
Molecular consequence: missense variant.
Genome position (GRCh38, 1-based): chr12:49,951,095, T>A. VCF-style: chr12-49951095-T-A. GRCh37 (hg19) VCF-style: chr12-50344878-T-A.
Other names: short protein forms Y89N.
Identifiers: ClinVar variation 5016890 (VCV005016890.1).
Genomic context (GRCh38, chr12:49,951,095, plus strand): 5'-CCTGCCGTGACTGTGGCCTGCCTGGTGGGCTGCCACGTCTCCGTTCTCCGAGCCGCCTTC[T>A]ACGTGGCTGCCCAGCTGCTGGGGGCTGTGGCCGGAGCCGCTCTGCTCCATGAGATCACGC-3'
Protein context (NP_000477.1, residues 79-99): CHVSVLRAAF[Tyr89Asn]VAAQLLGAVA